The following is an entry in ClinVar:

NM_032043.3(BRIP1):c.1514C>T (p.Ser505Leu)

Gene: BRIP1 (BRCA1 interacting DNA helicase 1; minus strand). Cytogenetic location: 17q23.2.
Variant type: single nucleotide variant.
Coding change: c.1514C>T on transcript NM_032043.3 (MANE Select); coding-DNA position 1514, C replaced by T.
Protein change: p.Ser505Leu; replaces serine 505 with leucine.
Molecular consequence: missense variant.
Genome position (GRCh38, 1-based): chr17:61,784,384, G>A on the plus strand (C>T on the coding strand, the complement: BRIP1 is on the minus strand). VCF-style: chr17-61784384-G-A. GRCh37 (hg19) VCF-style: chr17-59861745-G-A.
Other names: short protein forms S505L.
Identifiers: ClinVar variation 407805 (VCV000407805.16), dbSNP rs945661395, ClinGen allele CA16615817.

ClinVar aggregate classification (germline): Uncertain significance. Review status: criteria provided, multiple submitters, no conflicts (2 of 4 stars). 2 submissions from 2 submitters: Uncertain significance (2). Last evaluated 2025-12-01.

Conditions:
Hereditary cancer-predisposing syndrome. Also called: Hereditary neoplastic syndrome; Neoplastic Syndromes, Hereditary; Tumor predisposition; Hereditary Cancer Syndrome. Identifiers: Orphanet 140162, MedGen C0027672, MeSH D009386, MONDO:0015356.
Familial cancer of breast. Also called: Hereditary breast cancer; hereditary breast carcinoma; BREAST CANCER, FAMILIAL. Identifiers: Orphanet 227535, MedGen C0346153, MONDO:0016419, OMIM 114480. Disease mechanism: loss of function.
Fanconi anemia complementation group J. Also called: BRIP1-Related Fanconi Anemia. Identifiers: Orphanet 84, MedGen C1836860, MONDO:0012187, OMIM 609054.

Allele frequency attached by ClinVar (database versions not stated): gnomAD exomes below 0.00001; gnomAD 0.00001; TOPMed 0.00002.
gnomAD v4.1: 1 of 1,613,230 alleles (0.000062%); highest among the groups gnomAD compares: Non-Finnish European, 0.000085%; no homozygotes.

Submissions (2):

Labcorp Genetics (formerly Invitae), Labcorp
Classification: Uncertain significance for Familial cancer of breast; Fanconi anemia complementation group J. Last evaluated: 2025-12-01. Review status: criteria provided, single submitter. Criteria: Invitae Variant Classification Sherloc (09022015). Collection method: clinical testing. Allele origin: germline.
Comment: This sequence change replaces serine, which is neutral and polar, with leucine, which is neutral and non-polar, at codon 505 of the BRIP1 protein (p.Ser505Leu). This variant is present in population databases (no rsID available, gnomAD 0.0009%). This variant has not been reported in the literature in individuals affected with BRIP1-related conditions. ClinVar contains an entry for this variant (Variation ID: 407805). Invitae Evidence Modeling of protein sequence and biophysical properties (such as structural, functional, and spatial information, amino acid conservation, physicochemical variation, residue mobility, and thermodynamic stability) indicates that this missense variant is not expected to disrupt BRIP1 protein function with a negative predictive value of 95%. In summary, the available evidence is currently insufficient to determine the role of this variant in disease. Therefore, it has been classified as a Variant of Uncertain Significance.

Ambry Genetics
Classification: Uncertain significance for Hereditary cancer-predisposing syndrome. Last evaluated: 2023-08-30. Review status: criteria provided, single submitter. Criteria: Ambry Variant Classification Scheme 2023. Collection method: clinical testing. Allele origin: germline.
Comment: The p.S505L variant (also known as c.1514C>T), located in coding exon 10 of the BRIP1 gene, results from a C to T substitution at nucleotide position 1514. The serine at codon 505 is replaced by leucine, an amino acid with dissimilar properties. This amino acid position is not well conserved in available vertebrate species, and leucine is the reference amino acid in other vertebrate species. In addition, this alteration is predicted to be tolerated by in silico analysis. Since supporting evidence is limited at this time, the clinical significance of this alteration remains unclear.